The following is an entry in ClinVar:

ClinVar aggregate classification (germline): Conflicting classifications of pathogenicity. Review status: criteria provided, conflicting classifications (1 of 4 stars). 2 submissions from 2 submitters: Uncertain significance (1); Likely benign (1). Last evaluated 2023-12-28.

Conditions:
Early Myoclonic Encephalopathy. Identifiers: MedGen C0270855.

Allele frequency attached by ClinVar (database versions not stated): TOPMed 0.00001; gnomAD 0.00001.
gnomAD v4.1: 5 of 1,612,940 alleles (0.00031%); highest among the groups gnomAD compares: African/African-American, 0.0013%; no homozygotes.

Submissions (2):

Ambry Genetics
Classification: Likely benign. Last evaluated: 2023-12-28. Review status: criteria provided, single submitter. Criteria: Ambry Variant Classification Scheme 2023. Collection method: clinical testing. Allele origin: germline.

Labcorp Genetics (formerly Invitae), Labcorp
Classification: Uncertain significance for Early Myoclonic Encephalopathy. Last evaluated: 2022-11-29. Review status: criteria provided, single submitter. Criteria: Invitae Variant Classification Sherloc (09022015). Collection method: clinical testing. Allele origin: germline.
Comment: This variant is not present in population databases (gnomAD no frequency). In summary, the available evidence is currently insufficient to determine the role of this variant in disease. Therefore, it has been classified as a Variant of Uncertain Significance. Advanced modeling of protein sequence and biophysical properties (such as structural, functional, and spatial information, amino acid conservation, physicochemical variation, residue mobility, and thermodynamic stability) performed at Invitae indicates that this missense variant is not expected to disrupt JMJD1C protein function. This variant has not been reported in the literature in individuals affected with JMJD1C-related conditions. This sequence change replaces alanine, which is neutral and non-polar, with threonine, which is neutral and polar, at codon 2096 of the JMJD1C protein (p.Ala2096Thr).

NM_032776.3(JMJD1C):c.6286G>A (p.Ala2096Thr)

Gene: JMJD1C (jumonji domain containing 1C; minus strand). Cytogenetic location: 10q21.3.
Variant type: single nucleotide variant.
Coding change: c.6286G>A on transcript NM_032776.3 (MANE Select); coding-DNA position 6286, G replaced by A.
Protein change: p.Ala2096Thr; replaces alanine 2096 with threonine.
Molecular consequence: missense variant. On other transcripts: non-coding transcript variant (1).
Genome position (GRCh38, 1-based): chr10:63,190,899, C>T on the plus strand (G>A on the coding strand, the complement: JMJD1C is on the minus strand). VCF-style: chr10-63190899-C-T. GRCh37 (hg19) VCF-style: chr10-64950659-C-T.
Other names: c.6286G>A (NM_032776.1); c.5740G>A, p.Ala1914Thr (NM_001282948.2, NM_001318154.2); c.5422G>A, p.Ala1808Thr (NM_001318153.2); c.6172G>A, p.Ala2058Thr (NM_001322252.2); c.5629G>A, p.Ala1877Thr (NM_001322254.2, NM_001322258.2); short protein forms A1808T, A1877T, A2096T, A1914T, A2058T.
Identifiers: ClinVar variation 3012244 (VCV003012244.4), dbSNP rs1844718876, ClinGen allele CA377024352.